The following is an entry in ClinVar:

NM_014254.3(RXYLT1):c.976G>A (p.Asp326Asn)

Gene: RXYLT1 (ribitol xylosyltransferase 1; plus strand). Cytogenetic location: 12q14.2.
Variant type: single nucleotide variant.
Coding change: c.976G>A on transcript NM_014254.3 (MANE Select); coding-DNA position 976, G replaced by A.
Protein change: p.Asp326Asn; replaces aspartic acid 326 with asparagine.
Molecular consequence: missense variant.
Genome position (GRCh38, 1-based): chr12:63,808,736, G>A. VCF-style: chr12-63808736-G-A. GRCh37 (hg19) VCF-style: chr12-64202516-G-A.
Other names: c.196G>A, p.Asp66Asn (NM_001278237.2); c.976G>A (NM_014254.1); short protein forms D66N, D326N.
Identifiers: ClinVar variation 1372671 (VCV001372671.4), dbSNP rs759023683, ClinGen allele CA6666217.

ClinVar aggregate classification (germline): Uncertain significance. Review status: criteria provided, multiple submitters, no conflicts (2 of 4 stars). 2 submissions from 2 submitters: Uncertain significance (2). Last evaluated 2025-08-26.

Conditions:
Inborn genetic diseases. Identifiers: MedGen C0950123, MeSH D030342.

Allele frequency attached by ClinVar (database versions not stated): gnomAD exomes 0.00002.
gnomAD v4.1: 57 of 1,611,124 alleles (0.0035%); highest among the groups gnomAD compares: Non-Finnish European, 0.0044%; no homozygotes.

Submissions (2):

Ambry Genetics
Classification: Uncertain significance for Inborn genetic diseases. Last evaluated: 2025-08-26. Review status: criteria provided, single submitter. Criteria: Ambry Variant Classification Scheme 2023. Collection method: clinical testing. Allele origin: germline.

Labcorp Genetics (formerly Invitae), Labcorp
Classification: Uncertain significance. Last evaluated: 2021-11-20. Review status: criteria provided, single submitter. Criteria: Invitae Variant Classification Sherloc (09022015). Collection method: clinical testing. Allele origin: germline.
Comment: This sequence change replaces aspartic acid, which is acidic and polar, with asparagine, which is neutral and polar, at codon 326 of the RXYLT1 protein (p.Asp326Asn). This variant is present in population databases (rs759023683, gnomAD 0.004%). This variant has not been reported in the literature in individuals affected with RXYLT1-related conditions. Algorithms developed to predict the effect of missense changes on protein structure and function are either unavailable or do not agree on the potential impact of this missense change (SIFT: "Tolerated"; PolyPhen-2: "Probably Damaging"; Align-GVGD: "Class C0"). In summary, the available evidence is currently insufficient to determine the role of this variant in disease. Therefore, it has been classified as a Variant of Uncertain Significance.